The following is an entry in ClinVar:

NM_000518.5(HBB):c.51C>T (p.Gly17=)

Genes: HBB (hemoglobin subunit beta; minus strand), LOC106099062 (HBB recombination region; plus strand), LOC107133510 (origin of replication at HBB; plus strand). Cytogenetic location: 11p15.4.
Variant type: single nucleotide variant.
Coding change: c.51C>T on transcript NM_000518.5 (MANE Select); coding-DNA position 51, C replaced by T.
Protein change: p.Gly17=; no amino-acid change (glycine 17 retained).
Molecular consequence: synonymous variant.
Genome position (GRCh38, 1-based): chr11:5,226,971, G>A on the plus strand (C>T on the coding strand, the complement: HBB is on the minus strand). VCF-style: chr11-5226971-G-A. GRCh37 (hg19) VCF-style: chr11-5248201-G-A.
Identifiers: ClinVar variation 811787 (VCV000811787.11), dbSNP rs370075492, ClinGen allele CA472885859.
Genomic context (GRCh38, chr11:5,226,971, plus strand): 5'-TTGTAACCTTGATACCAACCTGCCCAGGGCCTCACCACCAACTTCATCCACGTTCACCTT[G>A]CCCCACAGGGCAGTAACGGCAGACTTCTCCTCAGGAGTCAGATGCACCATGGTGTCTGTT-3'
Protein context (NP_000509.1, residues 7-27): EEKSAVTALW[Gly17=]KVNVDEVGGE

ClinVar aggregate classification (germline): Pathogenic/Likely pathogenic. Review status: criteria provided, multiple submitters, no conflicts (2 of 4 stars). 3 submissions from 3 submitters: Pathogenic (2); Likely pathogenic (1). Last evaluated 2025-01-30.

Conditions:
beta Thalassemia (BTHAL). Also called: Cooley's anemia; Erythroblastic anemia; Mediterranean anemia. Identifiers: Orphanet 848, MedGen C0005283, MONDO:0019402. Disease mechanism: loss of function.

Submissions (3):

Natera, Inc.
Classification: Pathogenic for Beta thalassemia. Last evaluated: 2025-01-30. Review status: criteria provided, single submitter. Criteria: Natera Variant Classification Schema (03/2026). Collection method: clinical testing. Allele origin: germline.
Comment: The c.51C>T variant in HBB is a synonymous variant that does not alter the encoded amino acid at position 17 (p.G17=). This variant is rare in the general population with a frequency below the threshold expected for the associated phenotype(s). This variant has been observed in one or more individuals affected with the associated recessive disease, as either homozygous or compound heterozygous with a second variant (PMID: 31134759, 19205975, 37742714). Additionally, this variant has been observed to segregate in affected family members (PMID: 37742714). Functional studies show that this variant may disrupt protein function (PMID: 31134759). Given the available evidence, this variant is classified as Pathogenic.

Labcorp Genetics (formerly Invitae), Labcorp
Classification: Pathogenic. Last evaluated: 2024-03-02. Review status: criteria provided, single submitter. Criteria: Invitae Variant Classification Sherloc (09022015). Collection method: clinical testing. Allele origin: germline.
Comment: This sequence change affects codon 17 of the HBB mRNA. It is a 'silent' change, meaning that it does not change the encoded amino acid sequence of the HBB protein. This variant is not present in population databases (gnomAD no frequency). This variant has been observed in individual(s) with autosomal recessive Beta thalassemia (PMID: 19205975, 31134759). In at least one individual the data is consistent with being in trans (on the opposite chromosome) from a pathogenic variant. This variant is also known as The codon 16 (C>T) mutation. ClinVar contains an entry for this variant (Variation ID: 811787). Algorithms developed to predict the effect of sequence changes on RNA splicing suggest that this variant may disrupt the consensus splice site. For these reasons, this variant has been classified as Pathogenic.

ARUP Laboratories, Molecular Genetics and Genomics, ARUP Laboratories
Classification: Likely pathogenic. Last evaluated: 2020-12-09. Review status: criteria provided, single submitter. Criteria: ARUP Molecular Germline Variant Investigation Process 2021. Collection method: clinical testing. Allele origin: germline.
Comment: The HBB c.51C>T; Gly16Gly variant, is reported in the literature in the heterozygous state in individuals with a beta-thalassemia carrier phenotype, and in the compound heterozygous state in individuals with severe beta-thalassemia (Nadkarni 2009, Taghavifar 2016). This variant is absent from general population databases (1000 Genomes Project, Exome Variant Server, and Genome Aggregation Database), indicating it is not a common polymorphism. This is a synonymous variant in a weakly conserved nucleotide, but computational analyses (Alamut v.2.11) predict that this variant may impact splicing by creating a novel cryptic donor splice site. Indeed, functional analyses show use of the cryptic donor splice site in some transcripts and overall reduced mRNA expression consistent with nonsense-mediated decay. Additionally, other variants in this exon (Gly24Gly, Glu26Lys/Hb E, and Ala27Ser/Hb Knossos) that activate cryptic splice donor sites have been observed in individuals with beta-thalassemia phenotypes and are considered pathogenic (see links to HbVar and references therein). Based on available information, the Gly16Gly variant is considered to be likely pathogenic. References: Link to HbVar for Gly24Gly: Link to HbVar for Hb E: Link to HbVar for Hb Knossos: Nadkarni A et al. Hematological and molecular analysis of novel and rare beta-thalassemia mutations in the Indian population. Hemoglobin. 2009;33(1):59-65. Taghavifar, F. Gene expression profiling in a family with a novel form of beta-thalassemeia. 2016 Master of Science in Biology Thesis, California State University, Northridge, CA.

Literature cited by the submitters: PubMed 31134759 (cited by Natera, Inc. and Labcorp Genetics (formerly Invitae), Labcorp); PubMed 19205975 (cited by Natera, Inc. and Labcorp Genetics (formerly Invitae), Labcorp); PubMed 37742714 (cited by Natera, Inc.).